The following is an entry in ClinVar:

ClinVar aggregate classification (germline): Uncertain significance. Review status: criteria provided, multiple submitters, no conflicts (2 of 4 stars). 3 submissions from 3 submitters: Uncertain significance (3). Last evaluated 2025-12-16.

Conditions:
RYR1-related disorder. Also called: RYR1-related condition; RYR1-related disorders. Identifiers: MedGen CN239331.
Inborn genetic diseases. Identifiers: MedGen C0950123, MeSH D030342.
Malignant hyperthermia, susceptibility to, 1 (MHS1). Also called: Anesthesia related hyperthermia; Malignant hyperpyrexia; Fulminating hyperpyrexia; Pharmacogenic myopathy; RYR1-Related Malignant Hyperthermia Susceptibility; Malignant hyperthermia suceptibility 1. Identifiers: Orphanet 423, MedGen C2930980, MONDO:0007783, OMIM 145600.

Allele frequency attached by ClinVar (database versions not stated): TOPMed 0.00001; gnomAD 0.00002.
gnomAD v4.1: 3 of 1,613,914 alleles (0.00019%); highest among the groups gnomAD compares: African/African-American, 0.004%; no homozygotes.

Submissions (3):

Ambry Genetics
Classification: Uncertain significance for Inborn genetic diseases. Last evaluated: 2025-12-16. Review status: criteria provided, single submitter. Criteria: Ambry Variant Classification Scheme 2023. Collection method: clinical testing. Allele origin: germline.
Comment: The c.9907C>T (p.P3303S) alteration is located in exon 66 (coding exon 66) of the RYR1 gene. This alteration results from a C to T substitution at nucleotide position 9907, causing the proline (P) at amino acid position 3303 to be replaced by a serine (S). Based on data from gnomAD, the T allele has an overall frequency of 0.003% (1/31364) total alleles studied. The highest observed frequency was 0.012% (1/8700) of African alleles. Based on insufficient or conflicting evidence, the clinical significance of this alteration remains unclear.

Labcorp Genetics (formerly Invitae), Labcorp
Classification: Uncertain significance for RYR1-related disorder. Last evaluated: 2025-12-02. Review status: criteria provided, single submitter. Criteria: Invitae Variant Classification Sherloc (09022015). Collection method: clinical testing. Allele origin: germline.
Comment: This sequence change replaces proline, which is neutral and non-polar, with serine, which is neutral and polar, at codon 3303 of the RYR1 protein (p.Pro3303Ser). This variant is present in population databases (no rsID available, gnomAD 0.01%). This variant has not been reported in the literature in individuals affected with RYR1-related conditions. ClinVar contains an entry for this variant (Variation ID: 2494326). Invitae Evidence Modeling of protein sequence and biophysical properties (such as structural, functional, and spatial information, amino acid conservation, physicochemical variation, residue mobility, and thermodynamic stability) indicates that this missense variant is not expected to disrupt RYR1 protein function with a negative predictive value of 80%. In summary, the available evidence is currently insufficient to determine the role of this variant in disease. Therefore, it has been classified as a Variant of Uncertain Significance.

All of Us Research Program, National Institutes of Health
Classification: Uncertain significance for Malignant hyperthermia, susceptibility to, 1. Last evaluated: 2024-06-09. Review status: criteria provided, single submitter. Criteria: ACMG Guidelines, 2015. Collection method: clinical testing. Allele origin: germline. Inheritance: Autosomal dominant inheritance. Observed: 1 variant allele, 1 heterozygote.
Comment: This missense variant replaces proline with serine at codon 3303 of the RYR1 protein. Computational prediction suggests that this variant may not impact protein structure and function (internally defined REVEL score threshold <= 0.5, PMID: 27666373). To our knowledge, functional studies have not been reported for this variant. This variant has not been reported in individuals affected with RYR1-related disorders in the literature. This variant has been identified in 1/31364 chromosomes in the general population by the Genome Aggregation Database (gnomAD). The available evidence is insufficient to determine the role of this variant in disease conclusively. Therefore, this variant is classified as a Variant of Uncertain Significance.

This study involves interpretation of variants in research participants for the purpose of population health screening. Participant phenotype was not available at the time of variant classification. Additional details can be found in publication PMID: 35346344, PMCID: PMC8962531

NM_000540.3(RYR1):c.9907C>T (p.Pro3303Ser)

Gene: RYR1 (ryanodine receptor 1; plus strand). Cytogenetic location: 19q13.2.
Variant type: single nucleotide variant.
Coding change: c.9907C>T on transcript NM_000540.3 (MANE Select); coding-DNA position 9907, C replaced by T.
Protein change: p.Pro3303Ser; replaces proline 3303 with serine.
Molecular consequence: missense variant.
Genome position (GRCh38, 1-based): chr19:38,517,580, C>T. VCF-style: chr19-38517580-C-T. GRCh37 (hg19) VCF-style: chr19-39008220-C-T.
Other names: c.9907C>T, p.Pro3303Ser (NM_001042723.2); short protein forms P3303S.
Identifiers: ClinVar variation 2494326 (VCV002494326.7), dbSNP rs1005852615, ClinGen allele CA084969.